The following is an entry in ClinVar:

NM_003640.5(ELP1):c.1511G>A (p.Gly504Asp)

Gene: ELP1 (elongator acetyltransferase complex subunit 1; minus strand). Cytogenetic location: 9q31.3.
Variant type: single nucleotide variant.
Coding change: c.1511G>A on transcript NM_003640.5 (MANE Select); coding-DNA position 1511, G replaced by A.
Protein change: p.Gly504Asp; replaces glycine 504 with aspartic acid.
Molecular consequence: missense variant.
Genome position (GRCh38, 1-based): chr9:108,906,435, C>T on the plus strand (G>A on the coding strand, the complement: ELP1 is on the minus strand). VCF-style: chr9-108906435-C-T. GRCh37 (hg19) VCF-style: chr9-111668715-C-T.
Other names: c.1169G>A, p.Gly390Asp (NM_001318360.2); c.464G>A, p.Gly155Asp (NM_001330749.2); short protein forms G155D, G390D, G504D.
Identifiers: ClinVar variation 946625 (VCV000946625.5), dbSNP rs778215292, ClinGen allele CA5174986.

ClinVar aggregate classification (germline): Uncertain significance. Review status: criteria provided, multiple submitters, no conflicts (2 of 4 stars). 3 submissions from 3 submitters: Uncertain significance (2). 1 of the submissions does not count toward it. Last evaluated 2022-01-12.

Conditions:
Familial dysautonomia. Also called: FD; HSAN III. Identifiers: Orphanet 1764, MedGen C0013364, MONDO:0009131, OMIM 223900. Disease mechanism: loss of function.

Allele frequency attached by ClinVar (database versions not stated): ExAC 0.00001; gnomAD exomes 0.00001 and 0.00002; TOPMed 0.00002.

Submissions (3):

Labcorp Genetics (formerly Invitae), Labcorp
Classification: Uncertain significance. Last evaluated: 2022-01-12. Review status: criteria provided, single submitter. Criteria: Invitae Variant Classification Sherloc (09022015). Collection method: clinical testing. Allele origin: germline.
Comment: This sequence change replaces glycine, which is neutral and non-polar, with aspartic acid, which is acidic and polar, at codon 504 of the ELP1 protein (p.Gly504Asp). This variant is present in population databases (rs778215292, gnomAD 0.02%). This variant has not been reported in the literature in individuals affected with ELP1-related conditions. ClinVar contains an entry for this variant (Variation ID: 946625). Algorithms developed to predict the effect of missense changes on protein structure and function (SIFT, PolyPhen-2, Align-GVGD) all suggest that this variant is likely to be tolerated. In summary, the available evidence is currently insufficient to determine the role of this variant in disease. Therefore, it has been classified as a Variant of Uncertain Significance.

Ambry Genetics
Classification: Uncertain significance. Last evaluated: 2020-02-19. Review status: criteria provided, single submitter. Criteria: Ambry Variant Classification Scheme 2023. Collection method: clinical testing. Allele origin: germline.
Comment: The p.G504D variant (also known as c.1511G>A), located in coding exon 13 of the IKBKAP gene, results from a G to A substitution at nucleotide position 1511. The glycine at codon 504 is replaced by aspartic acid, an amino acid with similar properties. This amino acid position is poorly conserved in available vertebrate species. In addition, this alteration is predicted to be tolerated by in silico analysis. Since supporting evidence is limited at this time, the clinical significance of this alteration remains unclear.

Natera, Inc.
Classification: Uncertain significance for Familial dysautonomia. Last evaluated: 2020-06-27. Review status: no assertion criteria provided. Collection method: clinical testing. Allele origin: germline. Not counted in ClinVar's aggregate classification.